The following is an entry in ClinVar:

ClinVar aggregate classification (germline): Uncertain significance. Review status: criteria provided, multiple submitters, no conflicts (2 of 4 stars). 2 submissions from 2 submitters: Uncertain significance (2). Last evaluated 2024-12-31.

Conditions:
Netherton syndrome (NETH). Also called: ERYTHRODERMA, ICHTHYOSIFORM, WITH HYPOTRICHOSIS AND HYPER-IgE; COMEL-NETHERTON SYNDROME; NETHERTON DISEASE. Identifiers: Orphanet 634, MedGen C5574950, MONDO:0009735, OMIM 256500.
Inborn genetic diseases. Identifiers: MedGen C0950123, MeSH D030342.

Allele frequency attached by ClinVar (database versions not stated): gnomAD exomes below 0.00001; gnomAD 0.00001.
gnomAD v4.1: 3 of 1,612,184 alleles (0.00019%); highest among the groups gnomAD compares: Admixed American, 0.0033%; no homozygotes.

Submissions (2):

Ambry Genetics
Classification: Uncertain significance for Inborn genetic diseases. Last evaluated: 2024-12-31. Review status: criteria provided, single submitter. Criteria: Ambry Variant Classification Scheme 2023. Collection method: clinical testing. Allele origin: germline.

Labcorp Genetics (formerly Invitae), Labcorp
Classification: Uncertain significance for Ichthyosis linearis circumflexa. Last evaluated: 2022-10-13. Review status: criteria provided, single submitter. Criteria: Invitae Variant Classification Sherloc (09022015). Collection method: clinical testing. Allele origin: germline.
Comment: This sequence change replaces lysine, which is basic and polar, with glutamic acid, which is acidic and polar, at codon 559 of the SPINK5 protein (p.Lys559Glu). This variant is not present in population databases (gnomAD no frequency). This variant has not been reported in the literature in individuals affected with SPINK5-related conditions. Advanced modeling of protein sequence and biophysical properties (such as structural, functional, and spatial information, amino acid conservation, physicochemical variation, residue mobility, and thermodynamic stability) has been performed at Invitae for this missense variant, however the output from this modeling did not meet the statistical confidence thresholds required to predict the impact of this variant on SPINK5 protein function. In summary, the available evidence is currently insufficient to determine the role of this variant in disease. Therefore, it has been classified as a Variant of Uncertain Significance.

NM_006846.4(SPINK5):c.1675A>G (p.Lys559Glu)

Gene: SPINK5 (serine peptidase inhibitor Kazal type 5; plus strand). Cytogenetic location: 5q32.
Variant type: single nucleotide variant.
Coding change: c.1675A>G on transcript NM_006846.4 (MANE Select); coding-DNA position 1675, A replaced by G.
Protein change: p.Lys559Glu; replaces lysine 559 with glutamic acid.
Molecular consequence: missense variant.
Genome position (GRCh38, 1-based): chr5:148,108,820, A>G. VCF-style: chr5-148108820-A-G. GRCh37 (hg19) VCF-style: chr5-147488383-A-G.
Other names: c.1675A>G, p.Lys559Glu (NM_001127698.2, NM_001127699.2); c.1675A>G (NM_006846.3); short protein forms K559E.
Identifiers: ClinVar variation 1460724 (VCV001460724.6), dbSNP rs777594346, ClinGen allele CA361639657.